The following is an entry in ClinVar:

NM_000419.5(ITGA2B):c.1733CCA[1] (p.Thr579del)

Gene: ITGA2B (integrin subunit alpha 2b; minus strand). Cytogenetic location: 17q21.31.
Variant type: Microsatellite.
Coding change: c.1733CCA[1] on transcript NM_000419.5 (MANE Select); one copy of the 3-base unit CCA starting at c.1733; the reference has two copies in a row; one copy, 3 bases deleted.
Protein change: p.Thr579del; deletes threonine 579.
Molecular consequence: inframe deletion.
Genome position (GRCh38, 1-based): chr17:44,380,016-44,380,018, TGG deleted on the plus strand (CCA on the coding strand, the reverse complement: ITGA2B is on the minus strand); deleting any 3 consecutive bases within chr17:44,380,016-44,380,023 gives the same sequence; the position shown is the placement nearest the transcript's 3' end. VCF-style (leftmost placement, unchanged base first): chr17-44380015-ATGG-A. GRCh37 (hg19) VCF-style: chr17-42457383-ATGG-A.
Other names: c.1736_1738delCCA (NM_000419.5); short protein forms T579del.
Identifiers: ClinVar variation 3336199 (VCV003336199.1).
Genomic context (GRCh38, chr17:44,380,015, plus strand): 5'-GGTAAGTTCTACTCTCCCAGCCCTGCCAATCCCCTGCCTGGGCGTACTCGAAGGAAGGCC[ATGG>A]TGGTGTGGCAGATGGGGCTGTGCTTTCCGCCCAGATCCAGGTTCAGGGTGGTGCCTGCCT-3'

ClinVar aggregate classification (germline): Uncertain significance (1 of 4 stars; one submission).

Submission:

Women's Health and Genetics/Laboratory Corporation of America, LabCorp
Classification: Uncertain significance. Last evaluated: 2024-05-03. Review status: criteria provided, single submitter. Criteria: LabCorp Variant Classification Summary - May 2015. Collection method: clinical testing. Allele origin: germline.
Comment: Variant summary: ITGA2B c.1736_1738delCCA (p.Thr579del) results in an in-frame deletion that is predicted to remove one amino acid from the encoded protein. The variant was absent in 250778 control chromosomes (gnomAD). The available data on variant occurrences in the general population are insufficient to allow any conclusion about variant significance. To our knowledge, no occurrence of c.1736_1738delCCA in individuals affected with ITGA2B-Related Disorders and no experimental evidence demonstrating its impact on protein function have been reported. No submitters have cited clinical-significance assessments for this variant to ClinVar. Based on the evidence outlined above, the variant was classified as uncertain significance.